The following is an entry in ClinVar:

ClinVar aggregate classification (germline): Uncertain significance (1 of 4 stars; one submission).

Conditions:
Peroxisome biogenesis disorder 2B (PBD2B). Identifiers: Orphanet 44, MedGen C3550234, MONDO:0008736, OMIM 202370.

Submission:

Labcorp Genetics (formerly Invitae), Labcorp
Classification: Uncertain significance for Peroxisome biogenesis disorder 2B. Last evaluated: 2023-05-15. Review status: criteria provided, single submitter. Criteria: Invitae Variant Classification Sherloc (09022015). Collection method: clinical testing. Allele origin: germline.
Comment: In summary, the available evidence is currently insufficient to determine the role of this variant in disease. Therefore, it has been classified as a Variant of Uncertain Significance. Advanced modeling of protein sequence and biophysical properties (such as structural, functional, and spatial information, amino acid conservation, physicochemical variation, residue mobility, and thermodynamic stability) performed at Invitae indicates that this missense variant is not expected to disrupt PEX5 protein function. ClinVar contains an entry for this variant (Variation ID: 1404502). This variant has not been reported in the literature in individuals affected with PEX5-related conditions. This variant is not present in population databases (gnomAD no frequency). This sequence change replaces threonine, which is neutral and polar, with serine, which is neutral and polar, at codon 267 of the PEX5 protein (p.Thr267Ser).

NM_001351132.2(PEX5):c.799A>T (p.Thr267Ser)

Gene: PEX5 (peroxisomal biogenesis factor 5; plus strand). Cytogenetic location: 12p13.31.
Variant type: single nucleotide variant.
Coding change: c.799A>T on transcript NM_001351132.2 (MANE Select); coding-DNA position 799, A replaced by T.
Protein change: p.Thr267Ser; replaces threonine 267 with serine.
Molecular consequence: missense variant.
Genome position (GRCh38, 1-based): chr12:7,202,657, A>T. VCF-style: chr12-7202657-A-T. GRCh37 (hg19) VCF-style: chr12-7355253-A-T.
Other names: c.799A>T, p.Thr267Ser (NM_001351131.2, NM_001351133.2, NM_001351134.2 and 6 more transcripts); c.733A>T, p.Thr245Ser (NM_001351135.3, NM_001351138.2); c.688A>T, p.Thr230Ser (NM_001351137.3, NM_001351139.2, NM_001351140.2 and 10 more transcripts); c.844A>T, p.Thr282Ser (NM_001131023.2); short protein forms T230S, T245S, T267S, T282S.
Identifiers: ClinVar variation 1404502 (VCV001404502.6), dbSNP rs1445974761, ClinGen allele CA383724319.